The following is an entry in ClinVar:

ClinVar aggregate classification (germline): Benign (1 of 4 stars; one submission).

Allele frequency attached by ClinVar (database versions not stated): gnomAD 0.18546 and 0.19056; TOPMed 0.20121; 1000 Genomes Project 0.25958; 1000 Genomes Project 30x 0.26062.
gnomAD v4.1: 29,069 of 152,222 alleles (19%); highest among the groups gnomAD compares: East Asian, 33%; 3,165 homozygotes.

Submission:

GeneDx
Classification: Benign. Last evaluated: 2018-06-19. Review status: criteria provided, single submitter. Criteria: GeneDx Variant Classification (06012015). Collection method: clinical testing. Allele origin: germline. Affected: yes.
Comment: This variant is considered likely benign or benign based on one or more of the following criteria: it is a conservative change, it occurs at a poorly conserved position in the protein, it is predicted to be benign by multiple in silico algorithms, and/or has population frequency not consistent with disease.

NM_014244.5(ADAMTS2):c.2618-319T>C

Gene: ADAMTS2 (ADAM metallopeptidase with thrombospondin type 1 motif 2; minus strand). Cytogenetic location: 5q35.3.
Variant type: single nucleotide variant.
Coding change: c.2618-319T>C on transcript NM_014244.5 (MANE Select); 319 bases into the intron before coding-DNA position 2618, T replaced by C.
Molecular consequence: intron variant.
Genome position (GRCh38, 1-based): chr5:179,126,449, A>G on the plus strand (T>C on the coding strand, the complement: ADAMTS2 is on the minus strand). VCF-style: chr5-179126449-A-G. GRCh37 (hg19) VCF-style: chr5-178553450-A-G.
Identifiers: ClinVar variation 682705 (VCV000682705.1), dbSNP rs6601019, ClinGen allele CA11956018.